The following is an entry in ClinVar:

NM_000245.4(MET):c.4043A>G (p.His1348Arg)

Gene: MET (MET proto-oncogene, receptor tyrosine kinase; plus strand). Cytogenetic location: 7q31.2.
Variant type: single nucleotide variant.
Coding change: c.4043A>G on transcript NM_000245.4 (MANE Select); coding-DNA position 4043, A replaced by G.
Protein change: p.His1348Arg; replaces histidine 1348 with arginine.
Molecular consequence: missense variant.
Genome position (GRCh38, 1-based): chr7:116,795,994, A>G. VCF-style: chr7-116795994-A-G. GRCh37 (hg19) VCF-style: chr7-116436048-A-G.
Other names: c.4097A>G, p.His1366Arg (NM_001127500.3); c.2753A>G, p.His918Arg (NM_001324402.2); c.4043A>G (NM_000245.2); short protein forms H918R, H1348R, H1366R.
Identifiers: ClinVar variation 4701736 (VCV004701736.2).

ClinVar aggregate classification (germline): Uncertain significance. Review status: criteria provided, multiple submitters, no conflicts (2 of 4 stars). 2 submissions from 2 submitters: Uncertain significance (2). Last evaluated 2026-07-06.

Conditions:
Hereditary cancer-predisposing syndrome. Also called: Hereditary Cancer Syndrome; Hereditary neoplastic syndrome; Neoplastic Syndromes, Hereditary; Tumor predisposition. Identifiers: Orphanet 140162, MedGen C0027672, MeSH D009386, MONDO:0015356.
Renal cell carcinoma. Identifiers: Orphanet 217071, MedGen C0007134, MeSH D002292, MONDO:0005086, HP:0005584.

gnomAD v4.1: 1 of 1,614,000 alleles (0.000062%); highest among the groups gnomAD compares: East Asian, 0.0022%; no homozygotes.

Submissions (2):

Ambry Genetics
Classification: Uncertain significance for Hereditary cancer-predisposing syndrome. Last evaluated: 2026-07-06. Review status: criteria provided, single submitter. Criteria: Ambry Variant Classification Scheme 2023. Collection method: clinical testing. Allele origin: germline.
Comment: The p.H1348R variant (also known as c.4043A>G), located in coding exon 20 of the MET gene, results from an A to G substitution at nucleotide position 4043. The histidine at codon 1348 is replaced by arginine, an amino acid with highly similar properties. This amino acid position is conserved. In addition, the in silico prediction for this alteration is inconclusive. Based on the available evidence, the clinical significance of this variant remains unclear.

Labcorp Genetics (formerly Invitae), Labcorp
Classification: Uncertain significance for Renal cell carcinoma. Last evaluated: 2025-09-10. Review status: criteria provided, single submitter. Criteria: Invitae Variant Classification Sherloc (09022015). Collection method: clinical testing. Allele origin: germline.
Comment: This sequence change replaces histidine, which is basic and polar, with arginine, which is basic and polar, at codon 1366 of the MET protein (p.His1366Arg). This variant is present in population databases (no rsID available, gnomAD 0.006%). This variant has not been reported in the literature in individuals affected with MET-related conditions. Invitae Evidence Modeling of protein sequence and biophysical properties (such as structural, functional, and spatial information, amino acid conservation, physicochemical variation, residue mobility, and thermodynamic stability) has been performed for this missense variant. However, the output from this modeling did not meet the statistical confidence thresholds required to predict the impact of this variant on MET protein function. In summary, the available evidence is currently insufficient to determine the role of this variant in disease. Therefore, it has been classified as a Variant of Uncertain Significance.